The following is an entry in ClinVar:

ClinVar aggregate classification (germline): Likely benign. Review status: criteria provided, single submitter (1 of 4 stars). 2 submissions from 2 submitters: Likely benign (1). 1 of the submissions does not count toward it. Last evaluated 2023-03-22.

Conditions:
Nephronophthisis. Also called: Juvenile Nephronophthisis. Identifiers: Orphanet 655, MedGen C0687120, MONDO:0019005, HP:0000090.
NPHP1-related disorder. Also called: NPHP1-related disorders; NPHP1-related condition.

Allele frequency attached by ClinVar (database versions not stated): TOPMed below 0.00001.
gnomAD v4.1: 2 of 1,606,836 alleles (0.00012%); highest among the groups gnomAD compares: African/African-American, 0.0013%; no homozygotes.

Submissions (2):

Labcorp Genetics (formerly Invitae), Labcorp
Classification: Likely benign for Nephronophthisis. Last evaluated: 2023-03-22. Review status: criteria provided, single submitter. Criteria: Invitae Variant Classification Sherloc (09022015). Collection method: clinical testing. Allele origin: germline.

PreventionGenetics, part of Exact Sciences
Classification: Likely benign for NPHP1-related condition. Last evaluated: 2024-09-04. Review status: no assertion criteria provided. Collection method: clinical testing. Allele origin: germline. Not counted in ClinVar's aggregate classification.
Comment: This variant is classified as likely benign based on ACMG/AMP sequence variant interpretation guidelines (Richards et al. 2015 PMID: 25741868, with internal and published modifications).

NM_001128178.3(NPHP1):c.1527A>G (p.Leu509=)

Gene: NPHP1 (nephrocystin 1; minus strand). Cytogenetic location: 2q13.
Variant type: single nucleotide variant.
Coding change: c.1527A>G on transcript NM_001128178.3 (MANE Select); coding-DNA position 1527, A replaced by G.
Protein change: p.Leu509=; no amino-acid change (leucine 509 retained).
Molecular consequence: synonymous variant.
Genome position (GRCh38, 1-based): chr2:110,143,544, T>C on the plus strand (A>G on the coding strand, the complement: NPHP1 is on the minus strand). VCF-style: chr2-110143544-T-C. GRCh37 (hg19) VCF-style: chr2-110901121-T-C.
Other names: c.1695A>G (NM_000272.3); c.1695A>G, p.Leu565= (NM_000272.5); c.1338A>G, p.Leu446= (NM_001128179.3); c.1524A>G, p.Leu508= (NM_001374256.1); c.1527A>G, p.Leu509= (NM_001374257.1); c.1692A>G, p.Leu564= (NM_207181.4).
Identifiers: ClinVar variation 2729467 (VCV002729467.4), dbSNP rs1236689095, ClinGen allele CA427924065.